The following is an entry in ClinVar:

ClinVar aggregate classification (germline): Uncertain significance (1 of 4 stars; one submission).

Conditions:
Inborn genetic diseases. Identifiers: MedGen C0950123, MeSH D030342.

Submission:

Ambry Genetics
Classification: Uncertain significance for Inborn genetic diseases. Last evaluated: 2025-12-08. Review status: criteria provided, single submitter. Criteria: Ambry Variant Classification Scheme 2023. Collection method: clinical testing. Allele origin: germline.
Comment: The p.E790D variant (also known as c.2370G>T), located in coding exon 13 of the ASXL1 gene, results from a G to T substitution at nucleotide position 2370. The glutamic acid at codon 790 is replaced by aspartic acid, an amino acid with highly similar properties. This amino acid position is conserved. In addition, this alteration is predicted to be tolerated by in silico analysis. Based on the available evidence, the clinical significance of this variant remains unclear.

NM_015338.6(ASXL1):c.2370G>T (p.Glu790Asp)

Gene: ASXL1 (ASXL transcriptional regulator 1; plus strand). Cytogenetic location: 20q11.21.
Variant type: single nucleotide variant.
Coding change: c.2370G>T on transcript NM_015338.6 (MANE Select); coding-DNA position 2370, G replaced by T.
Protein change: p.Glu790Asp; replaces glutamic acid 790 with aspartic acid.
Molecular consequence: missense variant.
Genome position (GRCh38, 1-based): chr20:32,435,082, G>T. VCF-style: chr20-32435082-G-T. GRCh37 (hg19) VCF-style: chr20-31022885-G-T.
Other names: c.2187G>T, p.Glu729Asp (NM_001363734.1); short protein forms E729D, E790D.
Identifiers: ClinVar variation 4589022 (VCV004589022.1).
Genomic context (GRCh38, chr20:32,435,082, plus strand): 5'-AGTAGCTGAGAGATTAGTGGAGCAGCCTCAGTTGCATCCGGATGTTAGAACTGAATGTGA[G>T]TCTGGCACCACTTCCTGGGAAAGTGATGATGAGGAGCAAGGACCCACCGTTCCTGCAGAC-3'
Protein context (NP_056153.2, residues 780-800): QLHPDVRTEC[Glu790Asp]SGTTSWESDD